The following is an entry in ClinVar:

NM_078471.4(MYO18A):c.5410G>T (p.Val1804Leu)

Gene: MYO18A (myosin XVIIIA; minus strand). Cytogenetic location: 17q11.2.
Variant type: single nucleotide variant.
Coding change: c.5410G>T on transcript NM_078471.4 (MANE Select); coding-DNA position 5410, G replaced by T.
Protein change: p.Val1804Leu; replaces valine 1804 with leucine.
Molecular consequence: missense variant.
Genome position (GRCh38, 1-based): chr17:29,090,077, C>A on the plus strand (G>T on the coding strand, the complement: MYO18A is on the minus strand). VCF-style: chr17-29090077-C-A. GRCh37 (hg19) VCF-style: chr17-27417095-C-A.
Other names: c.5467G>T, p.Val1823Leu (NM_001346765.2); c.5446G>T, p.Val1816Leu (NM_001346766.2); c.5299G>T, p.Val1767Leu (NM_001346767.2); c.4036G>T, p.Val1346Leu (NM_001346768.2); c.5410G>T, p.Val1804Leu (NM_203318.2); short protein forms V1346L, V1767L, V1804L, V1816L, V1823L.
Identifiers: ClinVar variation 2629676 (VCV002629676.1), dbSNP rs1304367384, ClinGen allele CA398454755.
Genomic context (GRCh38, chr17:29,090,077, plus strand): 5'-TCTTAGCTTCCTGCCTGCTCACCAGGGACTTGTCCACCATGGACTGCTCCAGGAACTCCA[C>A]CTGGCTCTGGAGGGCTTGTAGCTAGAGGTGGGGGACAGGAAGAGAAGAAAGAACTGAGCC-3'
Protein context (NP_510880.2, residues 1794-1814): QEKLQALQSQ[Val1804Leu]EFLEQSMVDK

ClinVar aggregate classification (germline): Uncertain significance (1 of 4 stars; one submission).

Conditions:
MYO18A-related disorder. Also called: MYO18A-related condition.

Allele frequency attached by ClinVar (database versions not stated): gnomAD exomes below 0.00001.
gnomAD v4.1: 1 of 1,613,366 alleles (0.000062%); highest among the groups gnomAD compares: Admixed American, 0.0017%; no homozygotes.

Submission:

PreventionGenetics, part of Exact Sciences
Classification: Uncertain significance for MYO18A-related condition. Last evaluated: 2023-01-12. Review status: criteria provided, single submitter. Criteria: ACMG Guidelines, 2015. Collection method: clinical testing. Allele origin: germline.
Comment: The MYO18A c.5467G>T variant is predicted to result in the amino acid substitution p.Val1823Leu. To our knowledge, this variant has not been reported in the literature. This variant is reported in 0.0029% of alleles in individuals of Latino descent in gnomAD. At this time, the clinical significance of this variant is uncertain due to the absence of conclusive functional and genetic evidence.